The following is an entry in ClinVar:

NM_020693.4(DSCAML1):c.-51G>T

Gene: DSCAML1 (DS cell adhesion molecule like 1; minus strand). Cytogenetic location: 11q23.3.
Variant type: single nucleotide variant.
Coding change: c.-51G>T on transcript NM_020693.4 (MANE Select); 51 bases upstream of the start codon, G replaced by T.
Molecular consequence: 5 prime UTR variant. On other transcripts: intron variant (1).
Genome position (GRCh38, 1-based): chr11:117,797,130, C>A on the plus strand (G>T on the coding strand, the complement: DSCAML1 is on the minus strand). VCF-style: chr11-117797130-C-A. GRCh37 (hg19) VCF-style: chr11-117667845-C-A.
Other names: c.-51G>T (NM_001367904.1); c.-362-16320G>T (NM_001367905.1); c.130G>T (NM_020693.2).
Identifiers: ClinVar variation 1913529 (VCV001913529.6), dbSNP rs201764408, ClinGen allele CA6297694.
Genomic context (GRCh38, chr11:117,797,130, plus strand): 5'-CCAGCCACATGCCATAAAGAGGCCCTATTCTCCGGGGAGGTGGTCCTGTGGCCGGCCGTG[C>A]GGCAGCGCCTCTCCCCCGCTCAGCGCGCTCCCAGCCGCCCGCACTCGGCGCCCCGCTCTC-3'

ClinVar aggregate classification (germline): Uncertain significance. Review status: criteria provided, multiple submitters, no conflicts (2 of 4 stars). 2 submissions from 2 submitters: Uncertain significance (2). Last evaluated 2025-05-04.

Allele frequency attached by ClinVar (database versions not stated): gnomAD 0.00001.

Submissions (2):

Ambry Genetics
Classification: Uncertain significance. Last evaluated: 2025-05-04. Review status: criteria provided, single submitter. Criteria: Ambry Variant Classification Scheme 2023. Collection method: clinical testing. Allele origin: germline.

Labcorp Genetics (formerly Invitae), Labcorp
Classification: Uncertain significance. Last evaluated: 2024-07-30. Review status: criteria provided, single submitter. Criteria: Invitae Variant Classification Sherloc (09022015). Collection method: clinical testing. Allele origin: germline.
Comment: This sequence change replaces alanine, which is neutral and non-polar, with serine, which is neutral and polar, at codon 44 of the DSCAML1 protein (p.Ala44Ser). The frequency data for this variant in the population databases is considered unreliable, as metrics indicate poor data quality at this position in the gnomAD database. This variant has not been reported in the literature in individuals affected with DSCAML1-related conditions. ClinVar contains an entry for this variant (Variation ID: 1913529). Experimental studies and prediction algorithms are not available or were not evaluated, and the functional significance of this variant is currently unknown. In summary, the available evidence is currently insufficient to determine the role of this variant in disease. Therefore, it has been classified as a Variant of Uncertain Significance.